The following is an entry in ClinVar:

ClinVar aggregate classification (germline): Uncertain significance (1 of 4 stars; one submission).

Conditions:
Orthostatic hypotension 1 (ORTHYP1). Also called: Dopamine beta-hydroxylase deficiency; NORADRENALINE DEFICIENCY; NOREPINEPHRINE DEFICIENCY; Orthostatic hypotension 1, due to DBH deficiency. Identifiers: Orphanet 230, MedGen C4746777, MONDO:0009123, OMIM 223360.

Allele frequency attached by ClinVar (database versions not stated): gnomAD 0.00004 and 0.00005; TOPMed 0.00006.
gnomAD v4.1: 73 of 1,613,860 alleles (0.0045%); highest among the groups gnomAD compares: African/African-American, 0.031%; no homozygotes.

Submission:

Labcorp Genetics (formerly Invitae), Labcorp
Classification: Uncertain significance for Orthostatic hypotension 1. Last evaluated: 2022-10-04. Review status: criteria provided, single submitter. Criteria: Invitae Variant Classification Sherloc (09022015). Collection method: clinical testing. Allele origin: germline.
Comment: This sequence change replaces glycine, which is neutral and non-polar, with serine, which is neutral and polar, at codon 428 of the DBH protein (p.Gly428Ser). This variant is present in population databases (rs147521865, gnomAD 0.02%). This variant has not been reported in the literature in individuals affected with DBH-related conditions. ClinVar contains an entry for this variant (Variation ID: 1000711). Advanced modeling of protein sequence and biophysical properties (such as structural, functional, and spatial information, amino acid conservation, physicochemical variation, residue mobility, and thermodynamic stability) performed at Invitae indicates that this missense variant is not expected to disrupt DBH protein function. Algorithms developed to predict the effect of sequence changes on RNA splicing suggest that this variant may create or strengthen a splice site. In summary, the available evidence is currently insufficient to determine the role of this variant in disease. Therefore, it has been classified as a Variant of Uncertain Significance.

NM_000787.4(DBH):c.1282G>A (p.Gly428Ser)

Gene: DBH (dopamine beta-hydroxylase; plus strand). Cytogenetic location: 9q34.2.
Variant type: single nucleotide variant.
Coding change: c.1282G>A on transcript NM_000787.4 (MANE Select); coding-DNA position 1282, G replaced by A.
Protein change: p.Gly428Ser; replaces glycine 428 with serine.
Molecular consequence: missense variant.
Genome position (GRCh38, 1-based): chr9:133,651,724, G>A. VCF-style: chr9-133651724-G-A. GRCh37 (hg19) VCF-style: chr9-136516846-G-A.
Other names: short protein forms G428S.
Identifiers: ClinVar variation 1000711 (VCV001000711.6), dbSNP rs147521865, ClinGen allele CA5313408.